The following is an entry in ClinVar:

ClinVar aggregate classification (germline): Uncertain significance (1 of 4 stars; one submission).

Allele frequency attached by ClinVar (database versions not stated): ESP Exome Variant Server 0.00008.
gnomAD v4.1: 7 of 1,614,014 alleles (0.00043%); highest among the groups gnomAD compares: Non-Finnish European, 0.00059%; no homozygotes.

Submission:

Labcorp Genetics (formerly Invitae), Labcorp
Classification: Uncertain significance. Last evaluated: 2025-05-27. Review status: criteria provided, single submitter. Criteria: Invitae Variant Classification Sherloc (09022015). Collection method: clinical testing. Allele origin: germline.
Comment: This sequence change replaces arginine, which is basic and polar, with leucine, which is neutral and non-polar, at codon 527 of the PRPF6 protein (p.Arg527Leu). This variant is present in population databases (rs371456581, gnomAD 0.0009%). This variant has not been reported in the literature in individuals affected with PRPF6-related conditions. ClinVar contains an entry for this variant (Variation ID: 1439235). Invitae Evidence Modeling of protein sequence and biophysical properties (such as structural, functional, and spatial information, amino acid conservation, physicochemical variation, residue mobility, and thermodynamic stability) indicates that this missense variant is not expected to disrupt PRPF6 protein function with a negative predictive value of 80%. In summary, the available evidence is currently insufficient to determine the role of this variant in disease. Therefore, it has been classified as a Variant of Uncertain Significance.

NM_012469.4(PRPF6):c.1580G>T (p.Arg527Leu)

Genes: PRPF6 (pre-mRNA processing factor 6; plus strand), LOC126863090 (P300/CBP strongly-dependent group 1 enhancer GRCh37_chr20:62648052-62649251; plus strand). Cytogenetic location: 20q13.33.
Variant type: single nucleotide variant.
Coding change: c.1580G>T on transcript NM_012469.4 (MANE Select); coding-DNA position 1580, G replaced by T.
Protein change: p.Arg527Leu; replaces arginine 527 with leucine.
Molecular consequence: missense variant.
Genome position (GRCh38, 1-based): chr20:64,016,778, G>T. VCF-style: chr20-64016778-G-T. GRCh37 (hg19) VCF-style: chr20-62648131-G-T.
Other names: short protein forms R527L.
Identifiers: ClinVar variation 1439235 (VCV001439235.6), dbSNP rs371456581, ClinGen allele CA317540135.